The following is an entry in ClinVar:

NM_001008212.2(OPTN):c.1730T>C (p.Ile577Thr)

Gene: OPTN (optineurin; plus strand). Cytogenetic location: 10p13.
Variant type: single nucleotide variant.
Coding change: c.1730T>C on transcript NM_001008212.2 (MANE Select); coding-DNA position 1730, T replaced by C.
Protein change: p.Ile577Thr; replaces isoleucine 577 with threonine.
Molecular consequence: missense variant.
Genome position (GRCh38, 1-based): chr10:13,136,862, T>C. VCF-style: chr10-13136862-T-C. GRCh37 (hg19) VCF-style: chr10-13178862-T-C.
Other names: c.1730T>C, p.Ile577Thr (NM_001008211.1, NM_001008213.1, NM_021980.4); short protein forms I577T.
Identifiers: ClinVar variation 1778975 (VCV001778975.3), dbSNP rs552807448, ClinGen allele CA5411064.

ClinVar aggregate classification (germline): Uncertain significance. Review status: criteria provided, multiple submitters, no conflicts (2 of 4 stars). 2 submissions from 2 submitters: Uncertain significance (2). Last evaluated 2026-06-03.

Conditions:
OPTN-related disorder. Also called: OPTN-related condition; OPTN-related disorders.
Inborn genetic diseases. Identifiers: MedGen C0950123, MeSH D030342.

Allele frequency attached by ClinVar (database versions not stated): TOPMed 0.00001; ExAC 0.00002; gnomAD 0.00003; gnomAD exomes 0.00003; 1000 Genomes Project 0.00020; 1000 Genomes Project 30x 0.00031.
gnomAD v4.1: 50 of 1,614,244 alleles (0.0031%); highest among the groups gnomAD compares: Non-Finnish European, 0.0041%; 1 homozygote.

Submissions (2):

PreventionGenetics, part of Exact Sciences
Classification: Uncertain significance for OPTN-related condition. Last evaluated: 2026-06-03. Review status: criteria provided, single submitter. Criteria: ACMG Guidelines, 2015. Collection method: clinical testing. Allele origin: germline.
Comment: The OPTN c.1730T>C variant is predicted to result in the amino acid substitution p.Ile577Thr. To our knowledge, this variant has not been reported in the literature. This variant is reported in 0.0062% of alleles in individuals of African descent in gnomAD. At this time, the clinical significance of this variant is uncertain due to the absence of conclusive functional and genetic evidence.

Ambry Genetics
Classification: Uncertain significance for Inborn genetic diseases. Last evaluated: 2021-04-23. Review status: criteria provided, single submitter. Criteria: Ambry Variant Classification Scheme 2023. Collection method: clinical testing. Allele origin: germline.
Comment: The p.I577T variant (also known as c.1730T>C), located in coding exon 13 of the OPTN gene, results from a T to C substitution at nucleotide position 1730. The isoleucine at codon 577 is replaced by threonine, an amino acid with similar properties. This amino acid position is well conserved in available vertebrate species. In addition, this alteration is predicted to be deleterious by in silico analysis. Since supporting evidence is limited at this time, the clinical significance of this alteration remains unclear.